The following is an entry in ClinVar:

ClinVar aggregate classification (germline): Uncertain significance (1 of 4 stars; one submission).

Submission:

Labcorp Genetics (formerly Invitae), Labcorp
Classification: Uncertain significance. Last evaluated: 2022-06-22. Review status: criteria provided, single submitter. Criteria: Invitae Variant Classification Sherloc (09022015). Collection method: clinical testing. Allele origin: germline.
Comment: Variants that disrupt the consensus splice site are a relatively common cause of aberrant splicing (PMID: 17576681, 9536098). Algorithms developed to predict the effect of sequence changes on RNA splicing suggest that this variant is not likely to affect RNA splicing. In summary, the available evidence is currently insufficient to determine the role of this variant in disease. Therefore, it has been classified as a Variant of Uncertain Significance. This variant has not been reported in the literature in individuals affected with VIPAS39-related conditions. This sequence change falls in intron 5 of the VIPAS39 gene. It does not directly change the encoded amino acid sequence of the VIPAS39 protein. It affects a nucleotide within the consensus splice site. This variant is not present in population databases (gnomAD no frequency).

Literature cited by the submitters: PubMed 17576681; PubMed 9536098.

NM_001193315.2(VIPAS39):c.343+4A>G

Gene: VIPAS39 (VPS33B interacting protein, apical-basolateral polarity regulator, spe-39 homolog; minus strand). Cytogenetic location: 14q24.3.
Variant type: single nucleotide variant.
Coding change: c.343+4A>G on transcript NM_001193315.2 (MANE Select); 4 bases into the intron after coding-DNA position 343, A replaced by G.
Molecular consequence: intron variant.
Genome position (GRCh38, 1-based): chr14:77,451,183, T>C on the plus strand (A>G on the coding strand, the complement: VIPAS39 is on the minus strand). VCF-style: chr14-77451183-T-C. GRCh37 (hg19) VCF-style: chr14-77917526-T-C.
Other names: c.197-1431A>G (NM_001400337.1, NM_001193316.2, NM_001400324.1 and 1 more transcripts); c.343+4A>G (NM_001400333.1, NM_001400327.1, NM_001400338.1 and 11 more transcripts).
Identifiers: ClinVar variation 2008003 (VCV002008003.4), dbSNP rs2503288019, ClinGen allele CA2580088826.